The following is an entry in ClinVar:

ClinVar aggregate classification (germline): Uncertain significance (1 of 4 stars; one submission).

Conditions:
Aortic aneurysm, familial thoracic 7 (AAT7). Also called: AORTIC DISSECTION, FAMILIAL, WITH OR WITHOUT AORTIC ANEURYSM. Identifiers: MedGen C3151077, MONDO:0013418, OMIM 613780.

Submission:

Labcorp Genetics (formerly Invitae), Labcorp
Classification: Uncertain significance for Aortic aneurysm, familial thoracic 7. Last evaluated: 2025-02-09. Review status: criteria provided, single submitter. Criteria: Invitae Variant Classification Sherloc (09022015). Collection method: clinical testing. Allele origin: germline.
Comment: This sequence change replaces tryptophan, which is neutral and slightly polar, with cysteine, which is neutral and slightly polar, at codon 1352 of the MYLK protein (p.Trp1352Cys). This variant is not present in population databases (gnomAD no frequency). This variant has not been reported in the literature in individuals affected with MYLK-related conditions. Invitae Evidence Modeling of protein sequence and biophysical properties (such as structural, functional, and spatial information, amino acid conservation, physicochemical variation, residue mobility, and thermodynamic stability) indicates that this missense variant is not expected to disrupt MYLK protein function with a negative predictive value of 80%. In summary, the available evidence is currently insufficient to determine the role of this variant in disease. Therefore, it has been classified as a Variant of Uncertain Significance.

NM_053025.4(MYLK):c.4056G>C (p.Trp1352Cys)

Gene: MYLK (myosin light chain kinase; minus strand). Cytogenetic location: 3q21.1.
Variant type: single nucleotide variant.
Coding change: c.4056G>C on transcript NM_053025.4 (MANE Select); coding-DNA position 4056, G replaced by C.
Protein change: p.Trp1352Cys; replaces tryptophan 1352 with cysteine.
Molecular consequence: missense variant.
Genome position (GRCh38, 1-based): chr3:123,657,358, C>G on the plus strand (G>C on the coding strand, the complement: MYLK is on the minus strand). VCF-style: chr3-123657358-C-G. GRCh37 (hg19) VCF-style: chr3-123376205-C-G.
Other names: c.3528G>C, p.Trp1176Cys (NM_001321309.2); c.3849G>C, p.Trp1283Cys (NM_053026.4, NM_053028.4); c.4056G>C, p.Trp1352Cys (NM_053027.4); short protein forms W1176C, W1283C, W1352C.
Identifiers: ClinVar variation 4744847 (VCV004744847.1).